The following is an entry in ClinVar:

ClinVar aggregate classification (germline): Uncertain significance (1 of 4 stars; one submission).

Conditions:
Primary dilated cardiomyopathy (DCM). Also called: Dilated Cardiomyopathy. Identifiers: Orphanet 217604, MedGen C0007193, MeSH D002311, MONDO:0005021, HP:0001644. Inheritance: Various modes of inheritance.

Submission:

Labcorp Genetics (formerly Invitae), Labcorp
Classification: Uncertain significance for Primary dilated cardiomyopathy. Last evaluated: 2024-10-05. Review status: criteria provided, single submitter. Criteria: Invitae Variant Classification Sherloc (09022015). Collection method: clinical testing. Allele origin: germline.
Comment: This sequence change replaces serine, which is neutral and polar, with arginine, which is basic and polar, at codon 335 of the TXNRD2 protein (p.Ser335Arg). This variant is not present in population databases (gnomAD no frequency). This variant has not been reported in the literature in individuals affected with TXNRD2-related conditions. Invitae Evidence Modeling of protein sequence and biophysical properties (such as structural, functional, and spatial information, amino acid conservation, physicochemical variation, residue mobility, and thermodynamic stability) indicates that this missense variant is not expected to disrupt TXNRD2 protein function with a negative predictive value of 80%. In summary, the available evidence is currently insufficient to determine the role of this variant in disease. Therefore, it has been classified as a Variant of Uncertain Significance.

NM_006440.5(TXNRD2):c.1005C>A (p.Ser335Arg)

Gene: TXNRD2 (thioredoxin reductase 2; minus strand). Cytogenetic location: 22q11.21.
Variant type: single nucleotide variant.
Coding change: c.1005C>A on transcript NM_006440.5 (MANE Select); coding-DNA position 1005, C replaced by A.
Protein change: p.Ser335Arg; replaces serine 335 with arginine.
Molecular consequence: missense variant. On other transcripts: non-coding transcript variant (1).
Genome position (GRCh38, 1-based): chr22:19,883,406, G>T on the plus strand (C>A on the coding strand, the complement: TXNRD2 is on the minus strand). VCF-style: chr22-19883406-G-T. GRCh37 (hg19) VCF-style: chr22-19870929-G-T.
Other names: c.1002C>A, p.Ser334Arg (NM_001352300.2); c.915C>A, p.Ser305Arg (NM_001352301.2); c.717C>A, p.Ser239Arg (NM_001352302.2); short protein forms S239R, S305R, S334R, S335R.
Identifiers: ClinVar variation 3665775 (VCV003665775.2).